The following is an entry in ClinVar:

NM_001393504.1(MAST3):c.327C>A (p.Asp109Glu)

Genes: MAST3 (microtubule associated serine/threonine kinase 3; plus strand), LOC126862876 (BRD4-independent group 4 enhancer GRCh37_chr19:18232970-18234169; plus strand). Cytogenetic location: 19p13.11.
Variant type: single nucleotide variant.
Coding change: c.327C>A on transcript NM_001393504.1 (MANE Select); coding-DNA position 327, C replaced by A.
Protein change: p.Asp109Glu; replaces aspartic acid 109 with glutamic acid.
Molecular consequence: missense variant.
Genome position (GRCh38, 1-based): chr19:18,122,679, C>A. VCF-style: chr19-18122679-C-A. GRCh37 (hg19) VCF-style: chr19-18233489-C-A.
Other names: c.351C>A, p.Asp117Glu (NM_001393501.1); c.330C>A, p.Asp110Glu (NM_001393502.1); c.327C>A, p.Asp109Glu (NM_001393503.1); c.324C>A, p.Asp108Glu (NM_001393505.1); c.279C>A, p.Asp93Glu (NM_001393506.1, NM_001393513.1); c.306C>A, p.Asp102Glu (NM_001393507.1); c.261C>A, p.Asp87Glu (NM_001393508.1, NM_001393516.1); c.258C>A, p.Asp86Glu (NM_001393509.1, NM_001393510.1, NM_001393512.1 and 2 more transcripts); and 4 more; short protein forms D102E, D108E, D109E, D110E, D117E, D71E, D79E, D80E.
Identifiers: ClinVar variation 3350242 (VCV003350242.1).

ClinVar aggregate classification (germline): Uncertain significance (0 of 4 stars; one submission).

Conditions:
MAST3-related disorder.

Submission:

PreventionGenetics, part of Exact Sciences
Classification: Uncertain significance for MAST3-related condition. Last evaluated: 2024-09-20. Review status: no assertion criteria provided. Collection method: clinical testing. Allele origin: germline.
Comment: The MAST3 c.240C>A variant is predicted to result in the amino acid substitution p.Asp80Glu. To our knowledge, this variant has not been reported in the literature or in a large population database, indicating this variant is rare. At this time, the clinical significance of this variant is uncertain due to the absence of conclusive functional and genetic evidence.